The following is an entry in ClinVar:

ClinVar aggregate classification (germline): Uncertain significance. Review status: criteria provided, multiple submitters, no conflicts (2 of 4 stars). 3 submissions from 3 submitters: Uncertain significance (3). Last evaluated 2025-06-01.

Conditions:
Classic or attenuated familial adenomatous polyposis. Identifiers: MedGen CN372698, MONDO:0021057.
Familial adenomatous polyposis 1 (FAP1). Also called: FAMILIAL ADENOMATOUS POLYPOSIS 1, ATTENUATED; POLYPOSIS, ADENOMATOUS INTESTINAL. Identifiers: MedGen C2713442, MONDO:0021056, OMIM 175100. Disease mechanism: loss of function.
Hereditary cancer-predisposing syndrome. Also called: Neoplastic Syndromes, Hereditary; Tumor predisposition; Hereditary Cancer Syndrome; Hereditary neoplastic syndrome. Identifiers: Orphanet 140162, MedGen C0027672, MeSH D009386, MONDO:0015356.

Submissions (3):

Labcorp Genetics (formerly Invitae), Labcorp
Classification: Uncertain significance for Familial adenomatous polyposis 1. Last evaluated: 2025-06-01. Review status: criteria provided, single submitter. Criteria: Invitae Variant Classification Sherloc (09022015). Collection method: clinical testing. Allele origin: germline.
Comment: This sequence change replaces serine, which is neutral and polar, with proline, which is neutral and non-polar, at codon 1315 of the APC protein (p.Ser1315Pro). This variant is not present in population databases (gnomAD no frequency). This variant has not been reported in the literature in individuals affected with APC-related conditions. ClinVar contains an entry for this variant (Variation ID: 232593). Invitae Evidence Modeling of protein sequence and biophysical properties (such as structural, functional, and spatial information, amino acid conservation, physicochemical variation, residue mobility, and thermodynamic stability) indicates that this missense variant is not expected to disrupt APC protein function with a negative predictive value of 95%. In summary, the available evidence is currently insufficient to determine the role of this variant in disease. Therefore, it has been classified as a Variant of Uncertain Significance.

All of Us Research Program, National Institutes of Health
Classification: Uncertain significance for Classic or attenuated familial adenomatous polyposis. Last evaluated: 2024-07-10. Review status: criteria provided, single submitter. Criteria: ACMG Guidelines, 2015. Collection method: clinical testing. Allele origin: germline. Inheritance: Autosomal dominant inheritance. Observed: 1 variant allele, 1 heterozygote.
Comment: This missense variant replaces serine with proline at codon 1315 of the APC protein. Computational prediction suggests that this variant may not impact protein structure and function (internally defined REVEL score threshold <= 0.5, PMID: 27666373). To our knowledge, functional studies have not been reported for this variant. This variant has not been reported in individuals affected with APC-related disorders in the literature. This variant has not been identified in the general population by the Genome Aggregation Database (gnomAD). The available evidence is insufficient to determine the role of this variant in disease conclusively. Therefore, this variant is classified as a Variant of Uncertain Significance.

This study involves interpretation of variants in research participants for the purpose of population health screening. Participant phenotype was not available at the time of variant classification. Additional details can be found in publication PMID: 35346344, PMCID: PMC8962531

Ambry Genetics
Classification: Uncertain significance for Hereditary cancer-predisposing syndrome. Last evaluated: 2024-04-08. Review status: criteria provided, single submitter. Criteria: Ambry Variant Classification Scheme 2023. Collection method: clinical testing. Allele origin: germline.
Comment: The p.S1315P variant (also known as c.3943T>C), located in coding exon 15 of the APC gene, results from a T to C substitution at nucleotide position 3943. The serine at codon 1315 is replaced by proline, an amino acid with similar properties. This amino acid position is not well conserved in available vertebrate species. In addition, in silico predictors for this gene do not accurately predict pathogenicity. Based on the available evidence, the clinical significance of this variant remains unclear.

NM_000038.6(APC):c.3943T>C (p.Ser1315Pro)

Gene: APC (APC regulator of Wnt signaling pathway; plus strand). Cytogenetic location: 5q22.2.
Variant type: single nucleotide variant.
Coding change: c.3943T>C on transcript NM_000038.6 (MANE Select); coding-DNA position 3943, T replaced by C.
Protein change: p.Ser1315Pro; replaces serine 1315 with proline.
Molecular consequence: missense variant.
Genome position (GRCh38, 1-based): chr5:112,839,537, T>C. VCF-style: chr5-112839537-T-C. GRCh37 (hg19) VCF-style: chr5-112175234-T-C.
Other names: c.3943T>C, p.Ser1315Pro (NM_001127510.3, NM_001354895.2); c.3889T>C, p.Ser1297Pro (NM_001127511.3); c.3997T>C, p.Ser1333Pro (NM_001354896.2); c.3973T>C, p.Ser1325Pro (NM_001354897.2); c.3868T>C, p.Ser1290Pro (NM_001354898.2); c.3859T>C, p.Ser1287Pro (NM_001354899.2); c.3820T>C, p.Ser1274Pro (NM_001354900.2); c.3766T>C, p.Ser1256Pro (NM_001354901.2); and 5 more; short protein forms S1297P, S1315P, S1274P, S1287P, S1155P, S1189P, S1214P, S1333P.
Identifiers: ClinVar variation 232593 (VCV000232593.9), dbSNP rs773963355, ClinGen allele CA10578362.